The following is an entry in ClinVar:

NM_001134831.2(AHI1):c.1941G>T (p.Met647Ile)

Gene: AHI1 (Abelson helper integration site 1; minus strand). Cytogenetic location: 6q23.3.
Variant type: single nucleotide variant.
Coding change: c.1941G>T on transcript NM_001134831.2 (MANE Select); coding-DNA position 1941, G replaced by T.
Protein change: p.Met647Ile; replaces methionine 647 with isoleucine.
Molecular consequence: missense variant.
Genome position (GRCh38, 1-based): chr6:135,438,470, C>A on the plus strand (G>T on the coding strand, the complement: AHI1 is on the minus strand). VCF-style: chr6-135438470-C-A. GRCh37 (hg19) VCF-style: chr6-135759608-C-A.
Other names: c.1941G>T, p.Met647Ile (NM_001134830.2, NM_001134832.2, NM_001350503.2 and 2 more transcripts); short protein forms M647I.
Identifiers: ClinVar variation 1930870 (VCV001930870.5), dbSNP rs1263133561, ClinGen allele CA365744335.

ClinVar aggregate classification (germline): Uncertain significance (1 of 4 stars; one submission).

Conditions:
Joubert syndrome. Also called: CEREBELLOPARENCHYMAL DISORDER IV; JOUBERT-BOLTSHAUSER SYNDROME; Familial aplasia of the vermis. Identifiers: Orphanet 475, MedGen C5979921, MONDO:0018772.

gnomAD v4.1: 3 of 1,549,956 alleles (0.00019%); highest among the groups gnomAD compares: Non-Finnish European, 0.00026%; no homozygotes.

Submission:

Labcorp Genetics (formerly Invitae), Labcorp
Classification: Uncertain significance for Joubert syndrome. Last evaluated: 2022-01-05. Review status: criteria provided, single submitter. Criteria: Invitae Variant Classification Sherloc (09022015). Collection method: clinical testing. Allele origin: germline.
Comment: In summary, the available evidence is currently insufficient to determine the role of this variant in disease. Therefore, it has been classified as a Variant of Uncertain Significance. Advanced modeling of protein sequence and biophysical properties (such as structural, functional, and spatial information, amino acid conservation, physicochemical variation, residue mobility, and thermodynamic stability) performed at Invitae indicates that this missense variant is not expected to disrupt AHI1 protein function. This variant has not been reported in the literature in individuals affected with AHI1-related conditions. This variant is not present in population databases (gnomAD no frequency). This sequence change replaces methionine, which is neutral and non-polar, with isoleucine, which is neutral and non-polar, at codon 647 of the AHI1 protein (p.Met647Ile).